The following is an entry in ClinVar:

NM_000548.5(TSC2):c.3358G>T (p.Val1120Leu)

Gene: TSC2 (TSC complex subunit 2; plus strand). Cytogenetic location: 16p13.3.
Variant type: single nucleotide variant.
Coding change: c.3358G>T on transcript NM_000548.5 (MANE Select); coding-DNA position 3358, G replaced by T.
Protein change: p.Val1120Leu; replaces valine 1120 with leucine.
Molecular consequence: missense variant.
Genome position (GRCh38, 1-based): chr16:2,079,630, G>T. VCF-style: chr16-2079630-G-T. GRCh37 (hg19) VCF-style: chr16-2129631-G-T.
Other names: c.3226G>T, p.Val1076Leu (NM_001077183.3, NM_001370404.1); c.3358G>T, p.Val1120Leu (NM_001114382.3); c.3118G>T, p.Val1040Leu (NM_001318827.2); c.3082G>T, p.Val1028Leu (NM_001318829.2); c.2626G>T, p.Val876Leu (NM_001318831.2); c.3259G>T, p.Val1087Leu (NM_001318832.2); c.3229G>T, p.Val1077Leu (NM_001363528.2, NM_001370405.1, NM_021055.3); short protein forms V1120L, V1028L, V1040L, V1076L, V1077L, V876L, V1087L.
Identifiers: ClinVar variation 578164 (VCV000578164.19), dbSNP rs1053311636, ClinGen allele CA276746154.

ClinVar aggregate classification (germline): Conflicting classifications of pathogenicity. Review status: criteria provided, conflicting classifications (1 of 4 stars). 5 submissions from 5 submitters: Uncertain significance (4); Likely benign (1). Last evaluated 2025-07-21.

Conditions:
Tuberous sclerosis 2 (TSC2). Identifiers: Orphanet 805, MedGen C1860707, MONDO:0013199, OMIM 613254.
Hereditary cancer-predisposing syndrome. Also called: Neoplastic Syndromes, Hereditary; Hereditary Cancer Syndrome; Hereditary neoplastic syndrome; Tumor predisposition. Identifiers: Orphanet 140162, MedGen C0027672, MeSH D009386, MONDO:0015356.

Allele frequency attached by ClinVar (database versions not stated): TOPMed 0.00001; gnomAD 0.00006.
gnomAD v4.1: 2 of 1,609,640 alleles (0.00012%); highest among the groups gnomAD compares: African/African-American, 0.0027%; no homozygotes.

Submissions (5):

Labcorp Genetics (formerly Invitae), Labcorp
Classification: Uncertain significance for Tuberous sclerosis 2. Last evaluated: 2025-07-21. Review status: criteria provided, single submitter. Criteria: Invitae Variant Classification Sherloc (09022015). Collection method: clinical testing. Allele origin: germline.
Comment: This sequence change replaces valine, which is neutral and non-polar, with leucine, which is neutral and non-polar, at codon 1120 of the TSC2 protein (p.Val1120Leu). This variant is present in population databases (no rsID available, gnomAD 0.02%). This variant has not been reported in the literature in individuals affected with TSC2-related conditions. ClinVar contains an entry for this variant (Variation ID: 578164). Invitae Evidence Modeling of protein sequence and biophysical properties (such as structural, functional, and spatial information, amino acid conservation, physicochemical variation, residue mobility, and thermodynamic stability) indicates that this missense variant is not expected to disrupt TSC2 protein function with a negative predictive value of 95%. In summary, the available evidence is currently insufficient to determine the role of this variant in disease. Therefore, it has been classified as a Variant of Uncertain Significance.

GeneDx
Classification: Uncertain significance. Last evaluated: 2024-04-26. Review status: criteria provided, single submitter. Criteria: GeneDx Variant Classification Process June 2021. Collection method: clinical testing. Allele origin: germline.
Comment: In silico analysis supports that this missense variant does not alter protein structure/function; Has not been previously published as pathogenic or benign to our knowledge

Ambry Genetics
Classification: Likely benign for Hereditary cancer-predisposing syndrome. Last evaluated: 2022-03-08. Review status: criteria provided, single submitter. Criteria: Ambry Variant Classification Scheme 2023. Collection method: clinical testing. Allele origin: germline.

Genome-Nilou Lab
Classification: Uncertain significance for Tuberous sclerosis 2. Last evaluated: 2021-11-07. Review status: criteria provided, single submitter. Criteria: ACMG Guidelines, 2015. Collection method: clinical testing. Allele origin: germline. Affected: no.

Sema4
Classification: Uncertain significance for Hereditary cancer-predisposing syndrome. Last evaluated: 2021-08-06. Review status: criteria provided, single submitter. Criteria: Sema4 Curation Guidelines. Collection method: curation. Allele origin: germline.
Comment: The TSC2 c.3358G>T (p.V1120L) variant has not been reported in literature to our knowledge. This variant was observed in 2/8698 chromosomes in the African/African American population, according to the Genome Aggregation Database (PMID: 32461654). This variant has been reported in ClinVar (Variation ID 578164). Functional studies have not been performed and in silico tool predictions of the variants effect on protein function are inconclusive. The overall evidence is insufficient to meet ACMG/AMP criteria for classifying it as benign or pathogenic. Thus, the clinical significance of this variant is currently uncertain.